The following is an entry in ClinVar:

ClinVar aggregate classification (germline): Uncertain significance (1 of 4 stars; one submission).

Submission:

Labcorp Genetics (formerly Invitae), Labcorp
Classification: Uncertain significance. Last evaluated: 2022-12-20. Review status: criteria provided, single submitter. Criteria: Invitae Variant Classification Sherloc (09022015). Collection method: clinical testing. Allele origin: germline.
Comment: In summary, the available evidence is currently insufficient to determine the role of this variant in disease. Therefore, it has been classified as a Variant of Uncertain Significance. Algorithms developed to predict the effect of missense changes on protein structure and function (SIFT, PolyPhen-2, Align-GVGD) all suggest that this variant is likely to be tolerated. This variant has not been reported in the literature in individuals affected with FBXO11-related conditions. This variant is not present in population databases (gnomAD no frequency). This sequence change replaces leucine, which is neutral and non-polar, with valine, which is neutral and non-polar, at codon 172 of the FBXO11 protein (p.Leu172Val).

NM_001190274.2(FBXO11):c.514C>G (p.Leu172Val)

Gene: FBXO11 (F-box protein 11; minus strand). Cytogenetic location: 2p16.3.
Variant type: single nucleotide variant.
Coding change: c.514C>G on transcript NM_001190274.2 (MANE Select); coding-DNA position 514, C replaced by G.
Protein change: p.Leu172Val; replaces leucine 172 with valine.
Molecular consequence: missense variant.
Genome position (GRCh38, 1-based): chr2:47,838,932, G>C on the plus strand (C>G on the coding strand, the complement: FBXO11 is on the minus strand). VCF-style: chr2-47838932-G-C. GRCh37 (hg19) VCF-style: chr2-48066071-G-C.
Other names: c.262C>G, p.Leu88Val (NM_001374325.1, NM_025133.4); short protein forms L172V, L88V.
Identifiers: ClinVar variation 2988597 (VCV002988597.3), dbSNP rs777108933, ClinGen allele CA346813012.
Genomic context (GRCh38, chr2:47,838,932, plus strand): 5'-CATTAGCAAGTTCACTGAAGCGTTTACATACACAAGCTGCTCTACAAAGATCCTGTTCCA[G>C]CAAGTAAGAGAAGATTTTTAGAACCACTTCATCTGGCAGTTTCTCCTGAAGATACTGTTC-3'
Protein context (NP_001177203.1, residues 162-182): EVVLKIFSYL[Leu172Val]EQDLCRAACV